The following is an entry in ClinVar:

NM_001256455.2(ZBTB7B):c.633C>T (p.Thr211=)

Gene: ZBTB7B (zinc finger and BTB domain containing 7B; plus strand). Cytogenetic location: 1q21.3.
Variant type: single nucleotide variant.
Coding change: c.633C>T on transcript NM_001256455.2 (MANE Select); coding-DNA position 633, C replaced by T.
Protein change: p.Thr211=; no amino-acid change (threonine 211 retained).
Molecular consequence: synonymous variant.
Genome position (GRCh38, 1-based): chr1:155,015,293, C>T. VCF-style: chr1-155015293-C-T. GRCh37 (hg19) VCF-style: chr1-154987769-C-T.
Other names: c.633C>T, p.Thr211= (NM_001252405.1, NM_001377452.1, NM_001377453.1 and 3 more transcripts); c.735C>T, p.Thr245= (NM_001252406.3, NM_001377451.1).
Identifiers: ClinVar variation 2639388 (VCV002639388.24), dbSNP rs201766394, ClinGen allele CA1134868.

ClinVar aggregate classification (germline): Likely benign (1 of 4 stars; one submission).

Allele frequency attached by ClinVar (database versions not stated): ExAC 0.00033; ESP Exome Variant Server 0.00038; gnomAD exomes 0.00042; gnomAD 0.00072; 1000 Genomes Project 0.00120; TOPMed 0.00135; 1000 Genomes Project 30x 0.00141.
gnomAD v4.1: 724 of 1,612,782 alleles (0.045%); highest among the groups gnomAD compares: Admixed American, 0.16%; 2 homozygotes.

Submission:

CeGaT Center for Human Genetics Tuebingen
Classification: Likely benign. Last evaluated: 2022-11-01. Review status: criteria provided, single submitter. Criteria: CeGaT Center For Human Genetics Tuebingen Variant Classification Criteria Version 2. Collection method: clinical testing. Allele origin: germline. Affected: yes. Observed: 1 variant allele.
Comment: ZBTB7B: BP4, BP7